The following is an entry in ClinVar:

ClinVar aggregate classification (germline): Pathogenic (1 of 4 stars; one submission).

Conditions:
Cortical dysplasia-focal epilepsy syndrome (PTHSL1). Also called: Pitt-Hopkins-like syndrome 1. Identifiers: Orphanet 163681, Orphanet 221150, MedGen C2750246, MONDO:0012400, OMIM 610042.

Submission:

Women's Health and Genetics/Laboratory Corporation of America, LabCorp
Classification: Pathogenic for Cortical dysplasia-focal epilepsy syndrome. Last evaluated: 2023-01-16. Review status: criteria provided, single submitter. Criteria: LabCorp Variant Classification Summary - May 2015. Collection method: clinical testing. Allele origin: germline.
Comment: Variant summary: The variant identified by MLPA or other technology involves the deletion of exon 4 in the CNTNAP2 gene. A presumed nomenclature of c.(402+1_403-1)_(550+1_551-1)del has been designated for the purposes of this classification. Although exact breakpoints of this deletion are not known, it is expected to result in a frameshift in the CNTNAP2 gene, a known mechanism of disease. The variant was absent in 21274 control chromosomes in the gnomAD database (structural variants data set). Exon 4 deletion has been reported in the literature in individuals affected Pitt Hopkins-like syndrome 1 (Mittal_2021), epilepsy (McKnight_2021) and classic cortical dysplasia-focal epilepsy syndrome (Strauss_2018). These data indicate that the variant is likely to be associated with disease. To our knowledge, no experimental evidence demonstrating an impact on protein function has been reported. Two clinical diagnostic laboratory has submitted clinical-significance assessments for this variant to ClinVar after 2014. One clinical diagnostic laboratory has submitted clinical-significance assessments for this variant to ClinVar after 2014 and classified the variant as pathogenic. Based on the evidence outlined above, the variant was classified as pathogenic.

Literature cited by the submitters: PubMed 28726809; PubMed 34926809; PubMed 34778490.

NC_000007.13:g.(146536997_146740998)_(146741147_146805238)del

Gene: CNTNAP2 (contactin associated protein 2; plus strand). Cytogenetic location: 7q35.
Variant type: Deletion.
Identifiers: ClinVar variation 2429242 (VCV002429242.5).